The following is an entry in ClinVar:

ClinVar aggregate classification (germline): Likely benign. Review status: criteria provided, multiple submitters, no conflicts (2 of 4 stars). 5 submissions from 5 submitters: Likely benign (4). 1 of the submissions does not count toward it. Last evaluated 2025-09-14.

Conditions:
Cardiovascular phenotype. Identifiers: MedGen CN230736.
MYH6-related disorder. Also called: MYH6-related condition; MYH6-Related Disorders.
Hypertrophic cardiomyopathy 14. Identifiers: MedGen C2750467, MONDO:0013197, OMIM 613251.

Allele frequency attached by ClinVar (database versions not stated): TOPMed 0.00003; ESP Exome Variant Server 0.00008.
gnomAD v4.1: 103 of 1,613,988 alleles (0.0064%); highest among the groups gnomAD compares: African/African-American, 0.0093%; no homozygotes.

Submissions (5):

Women's Health and Genetics/Laboratory Corporation of America, LabCorp
Classification: Likely benign. Last evaluated: 2025-09-14. Review status: criteria provided, single submitter. Criteria: LabCorp Variant Classification Summary - May 2015. Collection method: clinical testing. Allele origin: germline.

Labcorp Genetics (formerly Invitae), Labcorp
Classification: Likely benign for Hypertrophic cardiomyopathy 14. Last evaluated: 2025-06-18. Review status: criteria provided, single submitter. Criteria: Invitae Variant Classification Sherloc (09022015). Collection method: clinical testing. Allele origin: germline.

ARUP Laboratories, Molecular Genetics and Genomics, ARUP Laboratories
Classification: Likely benign. Last evaluated: 2020-01-20. Review status: criteria provided, single submitter. Criteria: ARUP Molecular Germline Variant Investigation Process. Collection method: clinical testing. Allele origin: germline.

Ambry Genetics
Classification: Likely benign for Cardiovascular phenotype. Last evaluated: 2018-01-25. Review status: criteria provided, single submitter. Criteria: Ambry Variant Classification Scheme 2023. Collection method: clinical testing. Allele origin: germline.

PreventionGenetics, part of Exact Sciences
Classification: Likely benign for MYH6-related condition. Last evaluated: 2020-09-18. Review status: no assertion criteria provided. Collection method: clinical testing. Allele origin: germline. Not counted in ClinVar's aggregate classification.
Comment: This variant is classified as likely benign based on ACMG/AMP sequence variant interpretation guidelines (Richards et al. 2015 PMID: 25741868, with internal and published modifications).

NM_002471.4(MYH6):c.546G>A (p.Ala182=)

Genes: MYH6 (myosin heavy chain 6; minus strand), LOC114827851 (VISTA enhancer hs2155; plus strand). Cytogenetic location: 14q11.2.
Variant type: single nucleotide variant.
Coding change: c.546G>A on transcript NM_002471.4 (MANE Select); coding-DNA position 546, G replaced by A.
Protein change: p.Ala182=; no amino-acid change (alanine 182 retained).
Molecular consequence: synonymous variant.
Genome position (GRCh38, 1-based): chr14:23,404,807, C>T on the plus strand (G>A on the coding strand, the complement: MYH6 is on the minus strand). VCF-style: chr14-23404807-C-T. GRCh37 (hg19) VCF-style: chr14-23874016-C-T.
Identifiers: ClinVar variation 470546 (VCV000470546.21), dbSNP rs150015506, ClinGen allele CA7116111.